The following is an entry in ClinVar:

NM_000492.4(CFTR):c.3409A>T (p.Met1137Leu)

Genes: CFTR (CF transmembrane conductance regulator; plus strand), CFTR-AS2 (CFTR antisense RNA 2; minus strand). Cytogenetic location: 7q31.2.
Variant type: single nucleotide variant.
Coding change: c.3409A>T on transcript NM_000492.4 (MANE Select); coding-DNA position 3409, A replaced by T.
Protein change: p.Met1137Leu; replaces methionine 1137 with leucine.
Molecular consequence: missense variant.
Genome position (GRCh38, 1-based): chr7:117,614,654, A>T. VCF-style: chr7-117614654-A-T. GRCh37 (hg19) VCF-style: chr7-117254708-A-T.
Other names: short protein forms M1137L.
Identifiers: ClinVar variation 4847272 (VCV004847272.1).
Genomic context (GRCh38, chr7:117,614,654, plus strand): 5'-GTCTTTTGTGCATCTATAGGAGAAGGAGAAGGAAGAGTTGGTATTATCCTGACTTTAGCC[A>T]TGAATATCATGAGTACATTGCAGTGGGCTGTAAACTCCAGCATAGATGTGGATAGCTTGG-3'
Protein context (NP_000483.3, residues 1127-1147): GRVGIILTLA[Met1137Leu]NIMSTLQWAV

ClinVar aggregate classification (germline): Uncertain significance (1 of 4 stars; one submission).

Submission:

Women's Health and Genetics/Laboratory Corporation of America, LabCorp
Classification: Uncertain significance. Last evaluated: 2026-03-12. Review status: criteria provided, single submitter. Criteria: LabCorp Variant Classification Summary - May 2015. Collection method: clinical testing. Allele origin: germline.
Comment: Variant summary: CFTR c.3409A>T (p.Met1137Leu) results in a conservative amino acid change in the encoded protein sequence. Algorithms developed to predict the effect of missense changes on protein structure and function are either unavailable or do not agree on the potential impact of this missense change. The variant was absent in 251148 control chromosomes. The available data on variant occurrences in the general population are insufficient to allow any conclusion about variant significance. To our knowledge, no occurrence of c.3409A>T in individuals affected with CFTR-related conditions and no experimental evidence demonstrating its impact on protein function have been reported. No submitters have cited clinical-significance assessments for this variant to ClinVar. Based on the evidence outlined above, the variant was classified as uncertain significance.